The following is an entry in ClinVar:

ClinVar aggregate classification (germline): Pathogenic (1 of 4 stars; one submission).

Allele frequency attached by ClinVar (database versions not stated): TOPMed below 0.00001; gnomAD 0.00001.
gnomAD v4.1: 7 of 1,613,216 alleles (0.00043%); highest among the groups gnomAD compares: East Asian, 0.0022%; no homozygotes.

Submission:

Labcorp Genetics (formerly Invitae), Labcorp
Classification: Pathogenic. Last evaluated: 2022-11-15. Review status: criteria provided, single submitter. Criteria: Invitae Variant Classification Sherloc (09022015). Collection method: clinical testing. Allele origin: germline.
Comment: This sequence change creates a premature translational stop signal (p.Arg1044*) in the MPDZ gene. It is expected to result in an absent or disrupted protein product. Loss-of-function variants in MPDZ are known to be pathogenic (PMID: 23240096, 28556411). This variant is present in population databases (rs776927125, gnomAD 0.002%). For these reasons, this variant has been classified as Pathogenic. ClinVar contains an entry for this variant (Variation ID: 1451543). This variant has not been reported in the literature in individuals affected with MPDZ-related conditions.

Literature cited by the submitters: PubMed 23240096; PubMed 28556411.

NM_001378778.1(MPDZ):c.3130C>T (p.Arg1044Ter)

Gene: MPDZ (multiple PDZ domain crumbs cell polarity complex component; minus strand). Cytogenetic location: 9p23.
Variant type: single nucleotide variant.
Coding change: c.3130C>T on transcript NM_001378778.1 (MANE Select); coding-DNA position 3130, C replaced by T.
Protein change: p.Arg1044Ter; replaces arginine 1044 with a stop codon.
Molecular consequence: nonsense.
Genome position (GRCh38, 1-based): chr9:13,168,490, G>A on the plus strand (C>T on the coding strand, the complement: MPDZ is on the minus strand). VCF-style: chr9-13168490-G-A. GRCh37 (hg19) VCF-style: chr9-13168489-G-A.
Other names: c.3130C>T, p.Arg1044Ter (NM_001375420.1, NM_001375421.1, NM_001375422.1 and 14 more transcripts); short protein forms R1044*.
Identifiers: ClinVar variation 1451543 (VCV001451543.6), dbSNP rs776927125, ClinGen allele CA4987245.